The following is an entry in ClinVar:

ClinVar aggregate classification (germline): Uncertain significance. Review status: criteria provided, multiple submitters, no conflicts (2 of 4 stars). 2 submissions from 2 submitters: Uncertain significance (2). Last evaluated 2025-10-19.

Submissions (2):

Labcorp Genetics (formerly Invitae), Labcorp
Classification: Uncertain significance. Last evaluated: 2025-10-19. Review status: criteria provided, single submitter. Criteria: Invitae Variant Classification Sherloc (09022015). Collection method: clinical testing. Allele origin: germline.
Comment: This sequence change falls in intron 25 of the COL9A2 gene. It does not directly change the encoded amino acid sequence of the COL9A2 protein. It affects a nucleotide within the consensus splice site. Information on the frequency of this variant in the gnomAD database is not available, as this variant may be reported differently in the database. This variant has not been reported in the literature in individuals affected with COL9A2-related conditions. ClinVar contains an entry for this variant (Variation ID: 1486633). Variants that disrupt the consensus splice site are a relatively common cause of aberrant splicing (PMID: 17576681, 9536098). In summary, the available evidence is currently insufficient to determine the role of this variant in disease. Therefore, it has been classified as a Variant of Uncertain Significance.

GeneDx
Classification: Uncertain significance. Last evaluated: 2022-12-02. Review status: criteria provided, single submitter. Criteria: GeneDx Variant Classification Process June 2021. Collection method: clinical testing. Allele origin: germline. Affected: yes.
Comment: In silico analysis supports a deleterious effect on splicing; Has not been previously published as pathogenic or benign to our knowledge; Not observed at significant frequency in large population cohorts (gnomAD)

Literature cited by the submitters: PubMed 17576681 (cited by Labcorp Genetics (formerly Invitae), Labcorp); PubMed 9536098 (cited by Labcorp Genetics (formerly Invitae), Labcorp).

NM_001852.4(COL9A2):c.1324-4_1324-3delinsAA

Gene: COL9A2 (collagen type IX alpha 2 chain; minus strand). Cytogenetic location: 1p34.2.
Variant type: Indel.
Coding change: c.1324-4_1324-3delinsAA on transcript NM_001852.4 (MANE Select); 4 bases into the intron before coding-DNA position 1324 through 3 bases into the intron before coding-DNA position 1324, GC replaced by AA.
Molecular consequence: intron variant.
Genome position (GRCh38, 1-based): chr1:40,303,975-40,303,976, GC replaced by TT on the plus strand (GC replaced by AA on the coding strand, the reverse complement: COL9A2 is on the minus strand). VCF-style: chr1-40303975-GC-TT. GRCh37 (hg19) VCF-style: chr1-40769647-GC-TT.
Identifiers: ClinVar variation 1486633 (VCV001486633.7), dbSNP rs2124050043, ClinGen allele CA2573131916.